The following is an entry in ClinVar:

ClinVar aggregate classification (germline): Benign/Likely benign. Review status: criteria provided, multiple submitters, no conflicts (2 of 4 stars). 6 submissions from 6 submitters: Benign (2); Likely benign (4). Last evaluated 2026-04-01.

Allele frequency attached by ClinVar (database versions not stated): gnomAD 0.00369; 1000 Genomes Project 30x 0.00375; 1000 Genomes Project 0.00379; ESP Exome Variant Server 0.00402; TOPMed 0.00404.
gnomAD v4.1: 1,137 of 1,552,482 alleles (0.073%); highest among the groups gnomAD compares: African/African-American, 1.3%; 6 homozygotes.

Submissions (6):

CeGaT Center for Human Genetics Tuebingen
Classification: Likely benign. Last evaluated: 2026-04-01. Review status: criteria provided, single submitter. Criteria: CeGaT Center For Human Genetics Tuebingen Variant Classification Criteria Version 2. Collection method: clinical testing. Allele origin: germline. Affected: yes. Observed: 2 variant alleles.
Comment: HSPG2: BP4, BP7, BS1

Labcorp Genetics (formerly Invitae), Labcorp
Classification: Benign. Last evaluated: 2025-12-08. Review status: criteria provided, single submitter. Criteria: Invitae Variant Classification Sherloc (09022015). Collection method: clinical testing. Allele origin: germline.

Blueprint Genetics
Classification: Likely benign. Last evaluated: 2024-11-13. Review status: criteria provided, single submitter. Criteria: ACMG Guidelines, 2015. Collection method: clinical testing. Allele origin: germline.

ARUP Laboratories, Molecular Genetics and Genomics, ARUP Laboratories
Classification: Benign. Last evaluated: 2024-10-23. Review status: criteria provided, single submitter. Criteria: ARUP Molecular Germline Variant Investigation Process 2024. Collection method: clinical testing. Allele origin: germline.

GeneDx
Classification: Likely benign. Last evaluated: 2021-08-14. Review status: criteria provided, single submitter. Criteria: GeneDx Variant Classification Process June 2021. Collection method: clinical testing. Allele origin: germline. Affected: yes.

Breakthrough Genomics
Classification: Likely benign. Review status: criteria provided, single submitter. Criteria: ACMG Guidelines, 2015. Collection method: not provided. Allele origin: germline. Inheritance: Autosomal recessive inheritance. Affected: yes.

NM_005529.7(HSPG2):c.4176T>C (p.His1392=)

Gene: HSPG2 (heparan sulfate proteoglycan 2; minus strand). Cytogenetic location: 1p36.12.
Variant type: single nucleotide variant.
Coding change: c.4176T>C on transcript NM_005529.7 (MANE Select); coding-DNA position 4176, T replaced by C.
Protein change: p.His1392=; no amino-acid change (histidine 1392 retained).
Molecular consequence: synonymous variant.
Genome position (GRCh38, 1-based): chr1:21,872,231, A>G on the plus strand (T>C on the coding strand, the complement: HSPG2 is on the minus strand). VCF-style: chr1-21872231-A-G. GRCh37 (hg19) VCF-style: chr1-22198724-A-G.
Other names: c.4179T>C, p.His1393= (NM_001291860.2).
Identifiers: ClinVar variation 777889 (VCV000777889.24), dbSNP rs62642526, ClinGen allele CA672355.